The following is an entry in ClinVar:

ClinVar aggregate classification (germline): Uncertain significance. Review status: criteria provided, multiple submitters, no conflicts (2 of 4 stars). 2 submissions from 2 submitters: Uncertain significance (2). Last evaluated 2025-08-03.

Conditions:
Generalized epilepsy-paroxysmal dyskinesia syndrome (PNKD3). Also called: Generalized epilepsy and paroxysmal dyskinesia; Paroxysmal nonkinesigenic dyskinesia, 3, with or without generalized epilepsy. Identifiers: Orphanet 79137, MedGen C5574945, MONDO:0012276, OMIM 609446.

Submissions (2):

Labcorp Genetics (formerly Invitae), Labcorp
Classification: Uncertain significance for Generalized epilepsy-paroxysmal dyskinesia syndrome. Last evaluated: 2025-08-03. Review status: criteria provided, single submitter. Criteria: Invitae Variant Classification Sherloc (09022015). Collection method: clinical testing. Allele origin: germline.
Comment: This variant, c.25_30dup, results in the insertion of 2 amino acid(s) of the KCNMA1 protein (p.Gly9_Gly10dup), but otherwise preserves the integrity of the reading frame. The frequency data for this variant in the population databases is considered unreliable, as metrics indicate poor data quality at this position in the gnomAD database. This variant has not been reported in the literature in individuals affected with KCNMA1-related conditions. ClinVar contains an entry for this variant (Variation ID: 939383). Experimental studies and prediction algorithms are not available or were not evaluated, and the functional significance of this variant is currently unknown. In summary, the available evidence is currently insufficient to determine the role of this variant in disease. Therefore, it has been classified as a Variant of Uncertain Significance.

GeneDx
Classification: Uncertain significance. Last evaluated: 2019-12-16. Review status: criteria provided, single submitter. Criteria: GeneDx Variant Classification Process June 2021. Collection method: clinical testing. Allele origin: germline. Affected: yes.
Comment: In-frame insertion in a repetitive region with no known function; Has not been previously published as pathogenic or benign to our knowledge

NM_001161352.2(KCNMA1):c.13GGC[8] (p.Gly9_Gly10dup)

Gene: KCNMA1 (potassium calcium-activated channel subfamily M alpha 1; minus strand). Cytogenetic location: 10q22.3.
Variant type: Microsatellite.
Coding change: c.13GGC[8] on transcript NM_001161352.2 (MANE Select); eight copies in a row of the 3-base unit GGC starting at c.13; the reference has six copies in a row; two copies, 6 bases duplicated.
Protein change: p.Gly9_Gly10dup.
Molecular consequence: inframe insertion.
Genome position (GRCh38, 1-based): chr10:77,637,613-77,637,618, GCCGCC duplicated on the plus strand (GGCGGC on the coding strand, the reverse complement: KCNMA1 is on the minus strand); duplicating any 6 consecutive bases within chr10:77,637,613-77,637,630 gives the same sequence; the position shown is the placement nearest the transcript's 3' end. VCF-style (leftmost placement, unchanged base first): chr10-77637612-T-TGCCGCC. GRCh37 (hg19) VCF-style: chr10-79397370-T-TGCCGCC.
Other names: c.13GGC[8], p.Gly9_Gly10dup (NM_001014797.3, NM_001161353.2, NM_001271518.2 and 12 more transcripts).
Identifiers: ClinVar variation 939383 (VCV000939383.9), dbSNP rs750804948, ClinGen allele CA210159567.
Genomic context (GRCh38, chr10:77,637,612, plus strand): 5'-CGTGGATATTGCTACTCATTCTAAGACTGCTGCCTCCGCCGCCGCCGCCGCCGCCGCTGC[T>TGCCGCC]GCCGCCGCCGCCGCCGCCACCATTTGCCATAGCTAGCAACGGGCAGCCGGCGCAGGGGCT-3'